The following is an entry in ClinVar:

GRCh38/hg38 18q21.2(chr18:53369396-53530545)x3

Genes: DCC (DCC netrin 1 receptor; plus strand), LOC126862752 (BRD4-independent group 4 enhancer GRCh37_chr18:51037281-51038480; plus strand). Cytogenetic location: 18q21.2.
Variant type: copy number gain.
Change: copy number 3 (three copies instead of two) of chr18:53,369,396-53,530,545 (161.2 kb, GRCh38 coordinates, 1-based), cytogenetic band 18q21.2.
Identifiers: ClinVar variation 4755379 (VCV004755379.1).

ClinVar aggregate classification (germline): Uncertain significance (1 of 4 stars; one submission).

Submission:

Clinical Genomics Laboratory, Laboratory for Precision Diagnostics, University of Washington
Classification: Uncertain significance. Last evaluated: 2022-01-13. Review status: criteria provided, single submitter. Criteria: ACMG/ClinGen CNV Guidelines, 2019. Collection method: clinical testing. Allele origin: unknown. Affected: yes. Observed: 1 variant allele.
Comment: CMA results suggest that the centromeric and telomeric breakpoints of this duplication are within DCC introns 15 and 28 (NM_005215.4 ), respectively. In this case, the duplication would be intragenic and, if in tandem, would likely result in loss of function of this copy of DCC. Heterozygous loss-of-function variants in DCC are associated with congenital mirror movement disorder, which is characterized by intentional movements of one side of the body being mirrored by involuntary movements of the other side. However, CMA cannot distinguish tandem duplications from a third copy of this region being inserted elsewhere in the genome. It is uncertain if this duplication would disrupt DCC gene and/or affect its expression. For these reasons, this duplication is classified as of uncertain significance.

Literature cited by the submitters: PubMed 29366874; PubMed 28250454; PubMed 29068161.